The following is an entry in ClinVar:

NM_001378902.1(ROS1):c.6621C>A (p.Asp2207Glu)

Gene: ROS1 (ROS proto-oncogene 1, receptor tyrosine kinase; minus strand). Cytogenetic location: 6q22.1.
Variant type: single nucleotide variant.
Coding change: c.6621C>A on transcript NM_001378902.1 (MANE Select); coding-DNA position 6621, C replaced by A.
Protein change: p.Asp2207Glu; replaces aspartic acid 2207 with glutamic acid.
Molecular consequence: missense variant.
Genome position (GRCh38, 1-based): chr6:117,301,068, G>T on the plus strand (C>A on the coding strand, the complement: ROS1 is on the minus strand). VCF-style: chr6-117301068-G-T. GRCh37 (hg19) VCF-style: chr6-117622231-G-T.
Other names: c.6627C>A, p.Asp2209Glu (NM_001378891.1); c.6639C>A, p.Asp2213Glu (NM_002944.3); short protein forms D2207E, D2209E, D2213E.
Identifiers: ClinVar variation 2673077 (VCV002673077.23), dbSNP rs75510639, ClinGen allele CA3973972.

ClinVar aggregate classification (germline): Likely benign (1 of 4 stars; one submission).

Allele frequency attached by ClinVar (database versions not stated): ESP Exome Variant Server 0.00008; gnomAD exomes 0.00020; gnomAD 0.00033; TOPMed 0.00044; ExAC 0.00057; 1000 Genomes Project 30x 0.00078; 1000 Genomes Project 0.00100.

Submission:

CeGaT Center for Human Genetics Tuebingen
Classification: Likely benign. Last evaluated: 2023-11-01. Review status: criteria provided, single submitter. Criteria: CeGaT Center For Human Genetics Tuebingen Variant Classification Criteria Version 2. Collection method: clinical testing. Allele origin: germline. Affected: yes. Observed: 1 variant allele.
Comment: ROS1: BP4